The following is an entry in ClinVar:

NM_000069.3(CACNA1S):c.1091G>A (p.Arg364Gln)

Gene: CACNA1S (calcium voltage-gated channel subunit alpha1 S; minus strand). Cytogenetic location: 1q32.1.
Variant type: single nucleotide variant.
Coding change: c.1091G>A on transcript NM_000069.3 (MANE Select); coding-DNA position 1091, G replaced by A.
Protein change: p.Arg364Gln; replaces arginine 364 with glutamine.
Molecular consequence: missense variant.
Genome position (GRCh38, 1-based): chr1:201,085,495, C>T on the plus strand (G>A on the coding strand, the complement: CACNA1S is on the minus strand). VCF-style: chr1-201085495-C-T. GRCh37 (hg19) VCF-style: chr1-201054623-C-T.
Other names: short protein forms R364Q.
Identifiers: ClinVar variation 473963 (VCV000473963.20), dbSNP rs763360081, ClinGen allele CA077944.

ClinVar aggregate classification (germline): Conflicting classifications of pathogenicity. Review status: criteria provided, conflicting classifications (1 of 4 stars). 6 submissions from 6 submitters: Uncertain significance (5); Likely benign (1). Last evaluated 2026-08-14.

Conditions:
CACNA1S-related disorder. Also called: CACNA1S-related condition.
Malignant hyperthermia, susceptibility to, 5 (MHS5). Also called: CACNA1S-Related Malignant Hyperthermia Susceptibility. Identifiers: Orphanet 423, MedGen C1866077, MONDO:0011163, OMIM 601887.
Hypokalemic periodic paralysis, type 1. Also called: Hypokalemic Periodic Paralysis Type 1 (AD); HypoPP. Identifiers: Orphanet 681, MedGen C3714580, MONDO:0042979, OMIM 170400.
Inborn genetic diseases. Identifiers: MedGen C0950123, MeSH D030342.
Congenital myopathy 18. Also called: DIHYDROPYRIDINE RECEPTOR CONGENITAL MYOPATHY; DHPR CONGENITAL MYOPATHY; Myopathy, congenital, due to dihydropyridine receptor defect. Identifiers: MedGen C5830283, MONDO:0859514, OMIM 620246.
Thyrotoxic periodic paralysis, susceptibility to, 1 (TTPP1). Identifiers: Orphanet 79102, MedGen C2749982, MONDO:0008570, OMIM 188580.

Allele frequency attached by ClinVar (database versions not stated): TOPMed 0.00003; gnomAD 0.00004 and 0.00005; gnomAD exomes 0.00004; ExAC 0.00005.
gnomAD v4.1: 58 of 1,613,108 alleles (0.0036%); highest among the groups gnomAD compares: Admixed American, 0.012%; no homozygotes.

Submissions (6):

PreventionGenetics, part of Exact Sciences
Classification: Uncertain significance for CACNA1S-related condition. Last evaluated: 2026-08-14. Review status: criteria provided, single submitter. Criteria: ACMG Guidelines, 2015. Collection method: clinical testing. Allele origin: germline.
Comment: The CACNA1S c.1091G>A variant is predicted to result in the amino acid substitution p.Arg364Gln. To our knowledge, this variant has not been reported in the literature. This variant is reported in 0.015% of alleles in individuals of East Asian descent in gnomAD. At this time, the clinical significance of this variant is uncertain due to the absence of conclusive functional and genetic evidence.

Ambry Genetics
Classification: Uncertain significance for Inborn genetic diseases. Last evaluated: 2026-07-01. Review status: criteria provided, single submitter. Criteria: Ambry Variant Classification Scheme 2023. Collection method: clinical testing. Allele origin: germline.
Comment: The p.R364Q variant (also known as c.1091G>A), located in coding exon 8 of the CACNA1S gene, results from a G to A substitution at nucleotide position 1091. The arginine at codon 364 is replaced by glutamine, an amino acid with highly similar properties. This amino acid position is conserved. In addition, this alteration is predicted to be tolerated by in silico analysis. Based on the available evidence, the clinical significance of this variant remains unclear.

Labcorp Genetics (formerly Invitae), Labcorp
Classification: Likely benign for Hypokalemic periodic paralysis, type 1; Malignant hyperthermia, susceptibility to, 5. Last evaluated: 2025-12-10. Review status: criteria provided, single submitter. Criteria: Invitae Variant Classification Sherloc (09022015). Collection method: clinical testing. Allele origin: germline.

GeneDx
Classification: Uncertain significance. Last evaluated: 2025-07-18. Review status: criteria provided, single submitter. Criteria: GeneDx Variant Classification Process June 2021. Collection method: clinical testing. Allele origin: germline. Affected: yes.
Comment: In silico analysis suggests that this missense variant does not alter protein structure/function; Has not been previously published as pathogenic or benign to our knowledge

Fulgent Genetics
Classification: Uncertain significance for Hypokalemic periodic paralysis, type 1; Thyrotoxic periodic paralysis, susceptibility to, 1; Malignant hyperthermia, susceptibility to, 5; Congenital myopathy 18. Last evaluated: 2024-05-24. Review status: criteria provided, single submitter. Criteria: ACMG Guidelines, 2015. Collection method: clinical testing. Allele origin: germline.

Color Diagnostics, LLC DBA Color Health
Classification: Uncertain significance for Malignant hyperthermia, susceptibility to, 5. Last evaluated: 2023-11-22. Review status: criteria provided, single submitter. Criteria: ACMG Guidelines, 2015. Collection method: clinical testing. Allele origin: germline.
Comment: This missense variant replaces arginine with glutamine at codon 364 of the CACNA1S protein. Computational prediction suggests that this variant may not impact protein structure and function. To our knowledge, functional studies have not been reported for this variant. This variant has not been reported in individuals affected with CACNA1S-related disorders in the literature. This variant has been identified in 12/282784 chromosomes in the general population by the Genome Aggregation Database (gnomAD). The available evidence is insufficient to determine the role of this variant in disease conclusively. Therefore, this variant is classified as a Variant of Uncertain Significance.